The following is an entry in ClinVar:

NM_000021.4(PSEN1):c.178C>T (p.Arg60Trp)

Gene: PSEN1 (presenilin 1; plus strand). Cytogenetic location: 14q24.2.
Variant type: single nucleotide variant.
Coding change: c.178C>T on transcript NM_000021.4 (MANE Select); coding-DNA position 178, C replaced by T.
Protein change: p.Arg60Trp; replaces arginine 60 with tryptophan.
Molecular consequence: missense variant.
Genome position (GRCh38, 1-based): chr14:73,170,887, C>T. VCF-style: chr14-73170887-C-T. GRCh37 (hg19) VCF-style: chr14-73637595-C-T.
Other names: c.166C>T, p.Arg56Trp (NM_007318.3); short protein forms R56W, R60W.
Identifiers: ClinVar variation 1000259 (VCV001000259.9), dbSNP rs777427451, ClinGen allele CA7256694.

ClinVar aggregate classification (germline): Uncertain significance (1 of 4 stars; one submission).

Conditions:
Alzheimer disease 3 (AD3). Also called: ALZHEIMER DISEASE, FAMILIAL, 3. Identifiers: Orphanet 1020, MedGen C1843013, MONDO:0011913, OMIM 607822.
Acne inversa, familial, 3 (ACNINV3). Identifiers: MedGen C3151038, MONDO:0013398, OMIM 613737.
Frontotemporal dementia (FTD1). Also called: WILHELMSEN-LYNCH DISEASE; FRONTOTEMPORAL DEMENTIA WITH PARKINSONISM; FRONTOTEMPORAL LOBE DEMENTIA; MULTIPLE SYSTEM TAUOPATHY WITH PRESENILE DEMENTIA; FRONTOTEMPORAL LOBAR DEGENERATION WITH TAU INCLUSIONS; FTLD WITH TAU INCLUSIONS. Identifiers: Orphanet 282, MedGen C0338451, MONDO:0017276, OMIM 600274, HP:0002145.
Pick disease. Also called: Pick's disease; Pick Disease of the Brain; DEMENTIA WITH LOBAR ATROPHY AND NEURONAL CYTOPLASMIC INCLUSIONS; LOBAR ATROPHY OF BRAIN; PICK DISEASE OF BRAIN. Identifiers: Orphanet 282, MedGen C0236642, MONDO:0008243, OMIM 172700.

Allele frequency attached by ClinVar (database versions not stated): TOPMed below 0.00001; ExAC 0.00001; gnomAD exomes 0.00001.
gnomAD v4.1: 3 of 1,614,160 alleles (0.00019%); highest among the groups gnomAD compares: East Asian, 0.0022%; no homozygotes.

Submission:

Labcorp Genetics (formerly Invitae), Labcorp
Classification: Uncertain significance for Alzheimer disease 3; Pick disease; Acne inversa, familial, 3; Frontotemporal dementia. Last evaluated: 2022-08-10. Review status: criteria provided, single submitter. Criteria: Invitae Variant Classification Sherloc (09022015). Collection method: clinical testing. Allele origin: germline.
Comment: In summary, the available evidence is currently insufficient to determine the role of this variant in disease. Therefore, it has been classified as a Variant of Uncertain Significance. Advanced modeling of protein sequence and biophysical properties (such as structural, functional, and spatial information, amino acid conservation, physicochemical variation, residue mobility, and thermodynamic stability) performed at Invitae indicates that this missense variant is not expected to disrupt PSEN1 protein function. ClinVar contains an entry for this variant (Variation ID: 1000259). This variant has not been reported in the literature in individuals affected with PSEN1-related conditions. This variant is present in population databases (rs777427451, gnomAD 0.006%). This sequence change replaces arginine, which is basic and polar, with tryptophan, which is neutral and slightly polar, at codon 60 of the PSEN1 protein (p.Arg60Trp).